The following is an entry in ClinVar:

ClinVar aggregate classification (germline): Benign/Likely benign. Review status: criteria provided, multiple submitters, no conflicts (2 of 4 stars). 6 submissions from 6 submitters: Benign (2); Likely benign (4). Last evaluated 2026-02-02.

Conditions:
Oculocutaneous albinism type 3 (OCA3). Also called: Rufous OCA; Rufous albinism; ALBINISM III; RUFOUS OCULOCUTANEOUS ALBINISM; XANTHISM; Albinism, oculocutaneous, type III. Identifiers: Orphanet 79433, MedGen C0342683, MONDO:0008747, OMIM 203290.

Allele frequency attached by ClinVar (database versions not stated): ExAC 0.00107; gnomAD 0.00358 and 0.00383; ESP Exome Variant Server 0.00361; TOPMed 0.00385; 1000 Genomes Project 30x 0.00406; 1000 Genomes Project 0.00459.
gnomAD v4.1: 1,079 of 1,613,148 alleles (0.067%); highest among the groups gnomAD compares: African/African-American, 1.3%; 4 homozygotes.

Submissions (6):

Labcorp Genetics (formerly Invitae), Labcorp
Classification: Benign. Last evaluated: 2026-02-02. Review status: criteria provided, single submitter. Criteria: Invitae Variant Classification Sherloc (09022015). Collection method: clinical testing. Allele origin: germline.

Blueprint Genetics
Classification: Likely benign. Last evaluated: 2024-11-13. Review status: criteria provided, single submitter. Criteria: ACMG Guidelines, 2015. Collection method: clinical testing. Allele origin: germline.

Illumina Laboratory Services, Illumina
Classification: Likely benign for Oculocutaneous albinism type 3. Last evaluated: 2017-04-28. Review status: criteria provided, single submitter. Criteria: ICSL Variant Classification Criteria 13 December 2019. Collection method: clinical testing. Allele origin: germline.
Comment: This variant was observed as part of a predisposition screen in an ostensibly healthy population. A literature search was performed for the gene, cDNA change, and amino acid change (where applicable). Publications were found based on this search. The evidence from the literature, in combination with allele frequency data from public databases where available, was sufficient to determine this variant is unlikely to cause disease. Therefore, this variant is classified as likely benign.

Eurofins Ntd Llc (ga)
Classification: Benign. Last evaluated: 2016-11-21. Review status: criteria provided, single submitter. Criteria: EGL Classification Definitions 2015. Collection method: clinical testing. Allele origin: germline. Observed: 1 variant allele, 1 heterozygote.

Genetic Services Laboratory, University of Chicago
Classification: Likely benign. Last evaluated: 2016-01-26. Review status: criteria provided, single submitter. Criteria: ACMG Guidelines, 2015. Collection method: clinical testing. Allele origin: germline. Affected: no.

Breakthrough Genomics
Classification: Likely benign. Review status: criteria provided, single submitter. Criteria: ACMG Guidelines, 2015. Collection method: not provided. Allele origin: germline. Inheritance: Autosomal recessive inheritance. Affected: yes.

Literature cited by the submitters: PubMed 23504663 (cited by Illumina Laboratory Services, Illumina); PubMed 23862152 (cited by Illumina Laboratory Services, Illumina).

NM_000550.3(TYRP1):c.977G>A (p.Arg326His)

Genes: LURAP1L-AS1 (LURAP1L antisense RNA 1; minus strand), TYRP1 (tyrosinase related protein 1; plus strand). Cytogenetic location: 9p23.
Variant type: single nucleotide variant.
Coding change: c.977G>A on transcript NM_000550.3 (MANE Select); coding-DNA position 977, G replaced by A.
Protein change: p.Arg326His; replaces arginine 326 with histidine.
Molecular consequence: missense variant.
Genome position (GRCh38, 1-based): chr9:12,702,334, G>A. VCF-style: chr9-12702334-G-A. GRCh37 (hg19) VCF-style: chr9-12702334-G-A.
Other names: short protein forms R326H.
Identifiers: ClinVar variation 437183 (VCV000437183.25), dbSNP rs16929374, ClinGen allele CA4985397.